The following is an entry in ClinVar:

NM_003632.3(CNTNAP1):c.3827A>G (p.Tyr1276Cys)

Gene: CNTNAP1 (contactin associated protein 1; plus strand). Cytogenetic location: 17q21.2.
Variant type: single nucleotide variant.
Coding change: c.3827A>G on transcript NM_003632.3 (MANE Select); coding-DNA position 3827, A replaced by G.
Protein change: p.Tyr1276Cys; replaces tyrosine 1276 with cysteine.
Molecular consequence: missense variant.
Genome position (GRCh38, 1-based): chr17:42,697,915, A>G. VCF-style: chr17-42697915-A-G. GRCh37 (hg19) VCF-style: chr17-40849933-A-G.
Other names: short protein forms Y1276C.
Identifiers: ClinVar variation 2130136 (VCV002130136.5), dbSNP rs2053171671, ClinGen allele CA399630638.

ClinVar aggregate classification (germline): Uncertain significance. Review status: criteria provided, multiple submitters, no conflicts (2 of 4 stars). 2 submissions from 2 submitters: Uncertain significance (2). Last evaluated 2024-10-24.

Conditions:
Inborn genetic diseases. Identifiers: MedGen C0950123, MeSH D030342.

Allele frequency attached by ClinVar (database versions not stated): gnomAD exomes 0.00001.
gnomAD v4.1: 3 of 1,614,136 alleles (0.00019%); highest among the groups gnomAD compares: Non-Finnish European, 0.00025%; no homozygotes.

Submissions (2):

Labcorp Genetics (formerly Invitae), Labcorp
Classification: Uncertain significance. Last evaluated: 2024-10-24. Review status: criteria provided, single submitter. Criteria: Invitae Variant Classification Sherloc (09022015). Collection method: clinical testing. Allele origin: germline.
Comment: This sequence change replaces tyrosine, which is neutral and polar, with cysteine, which is neutral and slightly polar, at codon 1276 of the CNTNAP1 protein (p.Tyr1276Cys). This variant is not present in population databases (gnomAD no frequency). This variant has not been reported in the literature in individuals affected with CNTNAP1-related conditions. ClinVar contains an entry for this variant (Variation ID: 2130136). An algorithm developed to predict the effect of missense changes on protein structure and function (PolyPhen-2) suggests that this variant is likely to be disruptive. In summary, the available evidence is currently insufficient to determine the role of this variant in disease. Therefore, it has been classified as a Variant of Uncertain Significance.

Ambry Genetics
Classification: Uncertain significance for Inborn genetic diseases. Last evaluated: 2022-08-16. Review status: criteria provided, single submitter. Criteria: Ambry Variant Classification Scheme 2023. Collection method: clinical testing. Allele origin: germline.